The following is an entry in ClinVar:

ClinVar aggregate classification (germline): Uncertain significance (1 of 4 stars; one submission).

Allele frequency attached by ClinVar (database versions not stated): gnomAD exomes below 0.00001.

Submission:

Labcorp Genetics (formerly Invitae), Labcorp
Classification: Uncertain significance. Last evaluated: 2022-05-10. Review status: criteria provided, single submitter. Criteria: Invitae Variant Classification Sherloc (09022015). Collection method: clinical testing. Allele origin: germline.
Comment: This sequence change replaces leucine, which is neutral and non-polar, with phenylalanine, which is neutral and non-polar, at codon 528 of the DLL3 protein (p.Leu528Phe). This variant is present in population databases (no rsID available, gnomAD 0.003%). This variant has not been reported in the literature in individuals affected with DLL3-related conditions. Algorithms developed to predict the effect of missense changes on protein structure and function are either unavailable or do not agree on the potential impact of this missense change (SIFT: "Tolerated"; PolyPhen-2: "Probably Damaging"; Align-GVGD: "Class C0"). In summary, the available evidence is currently insufficient to determine the role of this variant in disease. Therefore, it has been classified as a Variant of Uncertain Significance.

NM_203486.3(DLL3):c.1584G>C (p.Leu528Phe)

Genes: DLL3 (delta like canonical Notch ligand 3; plus strand), LOC130064419 (ATAC-STARR-seq lymphoblastoid silent region 10610; plus strand). Cytogenetic location: 19q13.2.
Variant type: single nucleotide variant.
Coding change: c.1584G>C on transcript NM_203486.3 (MANE Select); coding-DNA position 1584, G replaced by C.
Protein change: p.Leu528Phe; replaces leucine 528 with phenylalanine.
Molecular consequence: missense variant.
Genome position (GRCh38, 1-based): chr19:39,507,529, G>C. VCF-style: chr19-39507529-G-C. GRCh37 (hg19) VCF-style: chr19-39998169-G-C.
Other names: c.1584G>C, p.Leu528Phe (NM_016941.4); short protein forms L528F.
Identifiers: ClinVar variation 1992768 (VCV001992768.1), dbSNP rs1185127957, ClinGen allele CA405789532.